The following is an entry in ClinVar:

NM_007294.4(BRCA1):c.2078A>G (p.Asp693Gly)

Gene: BRCA1 (BRCA1 DNA repair associated; minus strand). Cytogenetic location: 17q21.31.
Variant type: single nucleotide variant.
Coding change: c.2078A>G on transcript NM_007294.4 (MANE Select); coding-DNA position 2078, A replaced by G.
Protein change: p.Asp693Gly; replaces aspartic acid 693 with glycine.
Molecular consequence: missense variant. On other transcripts: intron variant (137).
Genome position (GRCh38, 1-based): chr17:43,093,453, T>C on the plus strand (A>G on the coding strand, the complement: BRCA1 is on the minus strand). VCF-style: chr17-43093453-T-C. GRCh37 (hg19) VCF-style: chr17-41245470-T-C.
Other names: c.1865A>G, p.Asp622Gly (NM_001407571.1, NM_001407853.1, NM_001407894.1 and 9 more transcripts); c.2078A>G, p.Asp693Gly (NM_001407581.1, NM_001407582.1, NM_001407583.1 and 30 more transcripts); c.2075A>G, p.Asp692Gly (NM_001407587.1, NM_001407590.1, NM_001407591.1 and 22 more transcripts); c.2069A>G, p.Asp690Gly (NM_001407646.1, NM_001407647.1); c.1955A>G, p.Asp652Gly (NM_001407648.1, NM_001407664.1, NM_001407665.1 and 19 more transcripts); c.1952A>G, p.Asp651Gly (NM_001407649.1, NM_001407670.1, NM_001407671.1 and 11 more transcripts); c.2000A>G, p.Asp667Gly (NM_001407653.1, NM_001407654.1, NM_001407655.1 and 4 more transcripts); c.1997A>G, p.Asp666Gly (NM_001407659.1, NM_001407660.1, NM_001407661.1 and 1 more transcripts); and 40 more; short protein forms D693G, D646G, D581G, D622G, D623G, D652G, D667G, D692G.
Identifiers: ClinVar variation 630129 (VCV000630129.20), dbSNP rs756748588, ClinGen allele CA057756.

ClinVar aggregate classification (germline): Conflicting classifications of pathogenicity. Review status: criteria provided, conflicting classifications (1 of 4 stars). 7 submissions from 7 submitters: Uncertain significance (5); Likely benign (2). Last evaluated 2025-07-22.

Conditions:
Hereditary cancer-predisposing syndrome. Also called: Neoplastic Syndromes, Hereditary; Tumor predisposition; Hereditary neoplastic syndrome; Hereditary Cancer Syndrome. Identifiers: Orphanet 140162, MedGen C0027672, MeSH D009386, MONDO:0015356.
Hereditary breast ovarian cancer syndrome. Also called: Hereditary breast and ovarian cancer syndrome; Hereditary breast and ovarian cancer; Hereditary breast and ovarian cancer syndrome (HBOC); Breast and ovarian cancer; Hereditary breast and/or ovarian cancer syndrome; BRCA1- and BRCA2-Associated Hereditary Breast and Ovarian Cancer. Identifiers: Orphanet 145, MedGen C0677776, MeSH D061325, MONDO:0003582. Disease mechanism: loss of function.

Allele frequency attached by ClinVar (database versions not stated): gnomAD exomes 0.00001 and 0.00002; ExAC 0.00002.
gnomAD v4.1: 13 of 1,614,068 alleles (0.00081%); highest among the groups gnomAD compares: Non-Finnish European, 0.000085%; no homozygotes.

Submissions (7):

Quest Diagnostics Nichols Institute San Juan Capistrano
Classification: Uncertain significance. Last evaluated: 2025-07-22. Review status: criteria provided, single submitter. Criteria: Quest Diagnostics criteria. Collection method: clinical testing. Allele origin: unknown.
Comment: The BRCA1 c.2078A>G (p.Asp693Gly) variant has been reported in the published literature in an individual with breast cancer as well as a reportedly unaffected individual (PMID: 33471991 (2021), see also LOVD). This variant has also been reported to be located in a region of the BRCA1 gene that is tolerant to missense sequence changes (PMID: 31911673 (220)). The frequency of this variant in the general population (Genome Aggregation Database) is uninformative in the assessment of its pathogenicity. Analysis of this variant using bioinformatics tools for the prediction of the effect of amino acid changes on protein structure and function yielded predictions that this variant is benign. Based on the available information, we are unable to determine the clinical significance of this variant.

Ambry Genetics
Classification: Uncertain significance for Hereditary cancer-predisposing syndrome. Last evaluated: 2025-05-05. Review status: criteria provided, single submitter. Criteria: Ambry Variant Classification Scheme 2023. Collection method: clinical testing. Allele origin: germline.
Comment: The p.D693G variant (also known as c.2078A>G), located in coding exon 9 of the BRCA1 gene, results from an A to G substitution at nucleotide position 2078. The aspartic acid at codon 693 is replaced by glycine, an amino acid with similar properties. This amino acid position is not well conserved in available vertebrate species, and glycine is the reference amino acid in other vertebrate species. In addition, this alteration is predicted to be tolerated by in silico analysis. Based on the available evidence, the clinical significance of this variant remains unclear.

Center for Genomic Medicine, Rigshospitalet, Copenhagen University Hospital
Classification: Likely benign. Last evaluated: 2025-03-04. Review status: criteria provided, single submitter. Criteria: ACMG Guidelines, 2015. Collection method: clinical testing. Allele origin: germline.

University of Washington Department of Laboratory Medicine, University of Washington
Classification: Likely benign for Hereditary cancer-predisposing syndrome. Last evaluated: 2023-03-23. Review status: criteria provided, single submitter. Criteria: Dines et al. (Genet Med. 2020). Collection method: curation. Allele origin: germline.
Comment: Missense variant in a coldspot region where missense variants are very unlikely to be pathogenic (PMID:31911673).

BRCA1 coldspot (exon 11 using historical exon numbering). Reclassification based on statistical prior probability

Color Diagnostics, LLC DBA Color Health
Classification: Uncertain significance for Hereditary cancer-predisposing syndrome. Last evaluated: 2022-02-01. Review status: criteria provided, single submitter. Criteria: ACMG Guidelines, 2015. Collection method: clinical testing. Allele origin: germline.
Comment: This missense variant replaces aspartic acid with glycine at codon 693 of the BRCA1 protein. Computational prediction suggests that this variant may not impact protein structure and function (internally defined REVEL score threshold <= 0.5, PMID: 27666373). To our knowledge, functional studies have not been reported for this variant. This variant has not been reported in individuals affected with hereditary cancer in the literature. This variant has been identified in 3/251186 chromosomes in the general population by the Genome Aggregation Database (gnomAD). The available evidence is insufficient to determine the role of this variant in disease conclusively. Therefore, this variant is classified as a Variant of Uncertain Significance.

Labcorp Genetics (formerly Invitae), Labcorp
Classification: Uncertain significance for Hereditary breast ovarian cancer syndrome. Last evaluated: 2021-10-11. Review status: criteria provided, single submitter. Criteria: Invitae Variant Classification Sherloc (09022015). Collection method: clinical testing. Allele origin: germline.
Comment: Advanced modeling of protein sequence and biophysical properties (such as structural, functional, and spatial information, amino acid conservation, physicochemical variation, residue mobility, and thermodynamic stability) performed at Invitae indicates that this missense variant is not expected to disrupt BRCA1 protein function. This sequence change replaces aspartic acid with glycine at codon 693 of the BRCA1 protein (p.Asp693Gly). The aspartic acid residue is weakly conserved and there is a moderate physicochemical difference between aspartic acid and glycine. This variant is present in population databases (rs756748588, ExAC 0.05%). This variant has not been reported in the literature in individuals affected with BRCA1-related conditions. ClinVar contains an entry for this variant (Variation ID: 630129). In summary, the available evidence is currently insufficient to determine the role of this variant in disease. Therefore, it has been classified as a Variant of Uncertain Significance.

Women's Health and Genetics/Laboratory Corporation of America, LabCorp
Classification: Uncertain significance. Last evaluated: 2019-12-20. Review status: criteria provided, single submitter. Criteria: LabCorp Variant Classification Summary - May 2015. Collection method: clinical testing. Allele origin: germline.
Comment: Variant summary: BRCA1 c.2078A>G (p.Asp693Gly) results in a non-conservative amino acid change in the encoded protein sequence. Four of five in-silico tools predict a benign effect of the variant on protein function. The variant allele was found at a frequency of 1.2e-05 in 251186 control chromosomes (gnomAD). The available data on variant occurrences in the general population are insufficient to allow any conclusion about variant significance. To our knowledge, no occurrence of c.2078A>G in individuals affected with Hereditary Breast and Ovarian Cancer and no experimental evidence demonstrating its impact on protein function have been reported in the literature. One clinical diagnostic laboratory has submitted clinical-significance assessments for this variant to ClinVar (evaluation after 2014) and cited the variant as uncertain significance. Based on the evidence outlined above, the variant was classified as uncertain significance.

Literature cited by the submitters: PubMed 33471991 (cited by Quest Diagnostics Nichols Institute San Juan Capistrano); PubMed 31911673 (cited by Quest Diagnostics Nichols Institute San Juan Capistrano).